The following is an entry in ClinVar:

ClinVar aggregate classification (germline): Uncertain significance. Review status: criteria provided, multiple submitters, no conflicts (2 of 4 stars). 7 submissions from 7 submitters: Uncertain significance (6). 1 of the submissions does not count toward it. Last evaluated 2025-07-10.

Conditions:
Inborn genetic diseases. Identifiers: MedGen C0950123, MeSH D030342.
Glycogen storage disease type III (GSD3). Also called: Cori disease; FORBES DISEASE. Identifiers: Orphanet 366, MedGen C0017922, MONDO:0009291, OMIM 232400.

Allele frequency attached by ClinVar (database versions not stated): ESP Exome Variant Server 0.00008; TOPMed 0.00010; gnomAD 0.00015 and 0.00016; gnomAD exomes 0.00015 and 0.00017; 1000 Genomes Project 30x 0.00016; 1000 Genomes Project 0.00020; ExAC 0.00020.
gnomAD v4.1: 281 of 1,614,010 alleles (0.017%); highest among the groups gnomAD compares: Non-Finnish European, 0.022%; no homozygotes.

Submissions (7):

GeneDx
Classification: Uncertain significance. Last evaluated: 2025-07-10. Review status: criteria provided, single submitter. Criteria: GeneDx Variant Classification Process June 2021. Collection method: clinical testing. Allele origin: germline. Affected: yes.
Comment: In silico analysis suggests that this missense variant does not alter protein structure/function; Has not been previously published as pathogenic or benign to our knowledge

Blueprint Genetics
Classification: Uncertain significance. Last evaluated: 2024-08-14. Review status: criteria provided, single submitter. Criteria: ACMG Guidelines, 2015. Collection method: clinical testing. Allele origin: germline.

Labcorp Genetics (formerly Invitae), Labcorp
Classification: Uncertain significance for Glycogen storage disease type III. Last evaluated: 2023-12-22. Review status: criteria provided, single submitter. Criteria: Invitae Variant Classification Sherloc (09022015). Collection method: clinical testing. Allele origin: germline.
Comment: This sequence change replaces lysine, which is basic and polar, with arginine, which is basic and polar, at codon 1351 of the AGL protein (p.Lys1351Arg). This variant is present in population databases (rs41285740, gnomAD 0.03%). This variant has not been reported in the literature in individuals affected with AGL-related conditions. ClinVar contains an entry for this variant (Variation ID: 456500). Advanced modeling of protein sequence and biophysical properties (such as structural, functional, and spatial information, amino acid conservation, physicochemical variation, residue mobility, and thermodynamic stability) performed at Invitae indicates that this missense variant is not expected to disrupt AGL protein function with a negative predictive value of 80%. In summary, the available evidence is currently insufficient to determine the role of this variant in disease. Therefore, it has been classified as a Variant of Uncertain Significance.

Genome-Nilou Lab
Classification: Uncertain significance for Glycogen storage disease type III. Last evaluated: 2021-07-15. Review status: criteria provided, single submitter. Criteria: ACMG Guidelines, 2015. Collection method: clinical testing. Allele origin: germline. Affected: no.

Ambry Genetics
Classification: Uncertain significance for Inborn genetic diseases. Last evaluated: 2020-10-30. Review status: criteria provided, single submitter. Criteria: Ambry Variant Classification Scheme 2023. Collection method: clinical testing. Allele origin: germline.
Comment: The c.4052A>G (p.K1351R) alteration is located in exon 30 (coding exon 29) of the AGL gene. This alteration results from an A to G substitution at nucleotide position 4052, causing the lysine (K) at amino acid position 1351 to be replaced by an arginine (R). Based on data from the Genome Aggregation Database (gnomAD) database, the AGL c.4052A>G alteration was observed in 0.02% (46/282610) of total alleles studied, with a frequency of 0.03% (43/128972) in the European (non-Finnish) subpopulation. This amino acid position is well conserved in available vertebrate species. The p.K1351R alteration is predicted to be tolerated by in silico analysis. Based on insufficient or conflicting evidence, the clinical significance of this alteration remains unclear.

CeGaT Center for Human Genetics Tuebingen
Classification: Uncertain significance. Last evaluated: 2016-12-01. Review status: criteria provided, single submitter. Criteria: CeGaT Center For Human Genetics Tuebingen Variant Classification Criteria Version 2. Collection method: clinical testing. Allele origin: germline. Affected: yes. Observed: 1 variant allele.

Natera, Inc.
Classification: Uncertain significance for Glycogen storage disease type III. Last evaluated: 2019-10-28. Review status: no assertion criteria provided. Collection method: clinical testing. Allele origin: germline. Not counted in ClinVar's aggregate classification.

NM_000642.3(AGL):c.4052A>G (p.Lys1351Arg)

Gene: AGL (amylo-alpha-1,6-glucosidase and 4-alpha-glucanotransferase; plus strand). Cytogenetic location: 1p21.2.
Variant type: single nucleotide variant.
Coding change: c.4052A>G on transcript NM_000642.3 (MANE Select); coding-DNA position 4052, A replaced by G.
Protein change: p.Lys1351Arg; replaces lysine 1351 with arginine.
Molecular consequence: missense variant.
Genome position (GRCh38, 1-based): chr1:99,913,629, A>G. VCF-style: chr1-99913629-A-G. GRCh37 (hg19) VCF-style: chr1-100379185-A-G.
Other names: c.4052A>G, p.Lys1351Arg (NM_000028.3, NM_000643.3, NM_000644.3 and 1 more transcripts); c.4004A>G, p.Lys1335Arg (NM_000646.3); c.4031A>G, p.Lys1344Arg (NM_001425326.1); c.3851A>G, p.Lys1284Arg (NM_001425327.1); c.3848A>G, p.Lys1283Arg (NM_001425328.1); c.3713A>G, p.Lys1238Arg (NM_001425329.1); c.3674A>G, p.Lys1225Arg (NM_001425332.1); short protein forms K1351R, K1335R, K1225R, K1238R, K1283R, K1284R, K1344R.
Identifiers: ClinVar variation 456500 (VCV000456500.56), dbSNP rs41285740, ClinGen allele CA967294.